The following is an entry in ClinVar:

ClinVar aggregate classification (germline): Conflicting classifications of pathogenicity. Review status: criteria provided, conflicting classifications (1 of 4 stars). 6 submissions from 6 submitters: Pathogenic (1); Likely pathogenic (1); Uncertain significance (4). Last evaluated 2025-12-13.

Conditions:
Cardiovascular phenotype. Identifiers: MedGen CN230736.
Cardiomyopathy (CMYO). Also called: Cardiomyopathies. Identifiers: Orphanet 167848, MedGen C0878544, MONDO:0004994, HP:0001638. Inheritance: Various modes of inheritance.
Hypertrophic cardiomyopathy 10. Also called: CARDIOMYOPATHY, HYPERTROPHIC, MID-LEFT VENTRICULAR CHAMBER TYPE, 2; MYL2-Related Familial Hypertrophic Cardiomyopathy. Identifiers: MedGen C1834460, MONDO:0012112, OMIM 608758.
Hypertrophic cardiomyopathy. Also called: HYPERTROPHIC MYOCARDIOPATHY. Identifiers: Orphanet 217569, MedGen C0007194, MeSH D002312, MONDO:0005045, HP:0001639.

Allele frequency attached by ClinVar (database versions not stated): gnomAD exomes below 0.00001; TOPMed below 0.00001.

Submissions (6):

Labcorp Genetics (formerly Invitae), Labcorp
Classification: Uncertain significance for Hypertrophic cardiomyopathy 10. Last evaluated: 2025-12-13. Review status: criteria provided, single submitter. Criteria: Invitae Variant Classification Sherloc (09022015). Collection method: clinical testing. Allele origin: germline.
Comment: This sequence change affects a donor splice site in intron 1 of the MYL2 gene. It is expected to disrupt RNA splicing. Variants that disrupt the donor or acceptor splice site typically lead to a loss of protein function (PMID: 16199547), however the current clinical and genetic evidence is not sufficient to establish whether loss-of-function variants in MYL2 cause disease. This variant is present in population databases (rs730880948, gnomAD 0.0009%). This variant has not been reported in the literature in individuals affected with MYL2-related conditions. ClinVar contains an entry for this variant (Variation ID: 181430). In summary, the available evidence is currently insufficient to determine the role of this variant in disease. Therefore, it has been classified as a Variant of Uncertain Significance.

Color Diagnostics, LLC DBA Color Health
Classification: Uncertain significance for Cardiomyopathy. Last evaluated: 2025-07-10. Review status: criteria provided, single submitter. Criteria: ACMG Guidelines, 2015. Collection method: clinical testing. Allele origin: germline.
Comment: This variant causes a G to T nucleotide substitution at the +1 position of intron 1 of the MYL2 gene. Splice prediction tools suggest that this variant may disrupt RNA splicing. To our knowledge, functional studies have not been reported for this variant. This variant has not been reported in individuals affected with MYL2-related disorders in the literature. This variant has been identified in 1/251426 chromosomes in the general population by the Genome Aggregation Database (gnomAD). Disease-causing variants in MYL2 are mostly missense variants that act in a dominant-negative manner. The role of loss-of-function MYL2 truncation and splice variants in autosomal dominant cardiovascular disorders is not clearly established. The available evidence is insufficient to determine the role of this variant in disease conclusively. Therefore, this variant is classified as a Variant of Uncertain Significance.

All of Us Research Program, National Institutes of Health
Classification: Uncertain significance for Hypertrophic cardiomyopathy. Last evaluated: 2023-12-13. Review status: criteria provided, single submitter. Criteria: ACMG Guidelines, 2015. Collection method: clinical testing. Allele origin: germline. Inheritance: Autosomal dominant inheritance. Observed: 2 variant alleles, 2 heterozygotes.
Comment: This variant causes a G to T nucleotide substitution at the +1 position of intron 1 of the MYL2 gene. Splice prediction tools suggest that this variant may disrupt RNA splicing. To our knowledge, functional studies have not been reported for this variant. This variant has not been reported in individuals affected with MYL2-related disorders in the literature. This variant has been identified in 1/251426 chromosomes in the general population by the Genome Aggregation Database (gnomAD). Disease-causing variants in MYL2 are mostly missense variants that act in a dominant-negative manner. The role of loss-of-function MYL2 truncation and splice variants in autosomal dominant cardiovascular disorders is not clearly established. The available evidence is insufficient to determine the role of this variant in disease conclusively. Therefore, this variant is classified as a Variant of Uncertain Significance.

This study involves interpretation of variants in research participants for the purpose of population health screening. Participant phenotype was not available at the time of variant classification. Additional details can be found in publication PMID: 35346344, PMCID: PMC8962531

Ambry Genetics
Classification: Uncertain significance for Cardiovascular phenotype. Last evaluated: 2023-09-07. Review status: criteria provided, single submitter. Criteria: Ambry Variant Classification Scheme 2023. Collection method: clinical testing. Allele origin: germline.
Comment: The c.3+1G>T intronic variant results from a G to T substitution one nucleotide after coding exon 1 of the MYL2 gene. In silico splice site analysis predicts that this alteration will weaken the native splice donor site. A predicted consequence of this variant is a stop codon in the resulting transcript that occurs in the 5' end ofthe MYL2 gene, which may escape nonsense-mediated mRNAdecay and/or be prone to rescue by reinitiation (Rivas et al. Science. 2015 May 8;348(6235):666-9; Lindeboom et al. Nat Genet. 2016 Oct;48(10):1112-8; Rhee et al. Sci Rep. 2017 May 10;7(1):1653). The exact functional effect of this alteration is unknown. This nucleotide position is highly conserved in available vertebrate species. Since supporting evidence is limited at this time, the clinical significance of this alteration remains unclear.

AiLife Diagnostics
Classification: Likely pathogenic. Last evaluated: 2021-12-10. Review status: criteria provided, single submitter. Criteria: ACMG Guidelines, 2015. Collection method: clinical testing. Allele origin: germline. Affected: yes. Observed: 1 variant allele.

GeneDx
Classification: Pathogenic. Last evaluated: 2015-02-28. Review status: criteria provided, single submitter. Criteria: GeneDx Variant Classification (06012015). Collection method: clinical testing. Allele origin: germline. Affected: yes.
Comment: c.3+1 G>T: IVS1+1 G>T in intron 1 of the MYL2 gene (NM_000432.3) Although the c.3+1 G>T mutation has not been reported as a disease-causing mutation or as a benign polymorphism to our knowledge, this mutation destroys the canonical splice donor site in intron 1 and is predicted to cause abnormal gene splicing. The mutation is predicted to lead to either an abnormal message that is subject to nonsense-mediated mRNA decay, or to an abnormal protein product if the message is used for protein translation. Other splice site mutations in the MYL2 gene have been reported in association with HCM. In summary, c.3+1 G>T in the MYL2 gene is interpreted as a disease-causing mutation. The variant is found in HCM panel(s).

Literature cited by the submitters: PubMed 16199547 (cited by Labcorp Genetics (formerly Invitae), Labcorp).

NM_000432.4(MYL2):c.3+1G>T

Genes: MYL2 (myosin light chain 2; minus strand), LOC114827850 (VISTA enhancer hs2149; plus strand). Cytogenetic location: 12q24.11.
Variant type: single nucleotide variant.
Coding change: c.3+1G>T on transcript NM_000432.4 (MANE Select); the canonical splice donor site of the intron after coding-DNA position 3, G replaced by T.
Molecular consequence: splice donor variant. On other transcripts: intron variant (1).
Genome position (GRCh38, 1-based): chr12:110,920,526, C>A on the plus strand (G>T on the coding strand, the complement: MYL2 is on the minus strand). VCF-style: chr12-110920526-C-A. GRCh37 (hg19) VCF-style: chr12-111358330-C-A.
Other names: c.-55+863G>T (NM_001406916.1); c.3+1G>T (NM_001406745.1).
Identifiers: ClinVar variation 181430 (VCV000181430.13), dbSNP rs730880948, ClinGen allele CA010102.
Genomic context (GRCh38, chr12:110,920,526, plus strand): 5'-TGTAGTGGCTTCCTCTCCTCGCCCACCCGGCATCATCACCTCCTGGAGCCCTTGTACTCA[C>A]CATGGTGGAAAGGACCCAGCACTGCCTCCCGAGAAGAATTCCACACTCCGCCCAGCTCTC-3'